The following is an entry in ClinVar:

NM_017654.4(SAMD9):c.2353G>T (p.Ala785Ser)

Gene: SAMD9 (sterile alpha motif domain containing 9; minus strand). Cytogenetic location: 7q21.2.
Variant type: single nucleotide variant.
Coding change: c.2353G>T on transcript NM_017654.4 (MANE Select); coding-DNA position 2353, G replaced by T.
Protein change: p.Ala785Ser; replaces alanine 785 with serine.
Molecular consequence: missense variant.
Genome position (GRCh38, 1-based): chr7:93,103,745, C>A on the plus strand (G>T on the coding strand, the complement: SAMD9 is on the minus strand). VCF-style: chr7-93103745-C-A. GRCh37 (hg19) VCF-style: chr7-92733058-C-A.
Other names: c.2353G>T, p.Ala785Ser (NM_001193307.2); short protein forms A785S.
Identifiers: ClinVar variation 3369406 (VCV003369406.1).

ClinVar aggregate classification (germline): Uncertain significance (1 of 4 stars; one submission).

gnomAD v4.1: 1 of 1,613,880 alleles (0.000062%); highest among the groups gnomAD compares: East Asian, 0.0022%; no homozygotes.

Submission:

GeneDx
Classification: Uncertain significance. Last evaluated: 2024-02-18. Review status: criteria provided, single submitter. Criteria: GeneDx Variant Classification Process June 2021. Collection method: clinical testing. Allele origin: germline. Affected: yes.
Comment: Not observed at significant frequency in large population cohorts (gnomAD); In silico analysis supports that this missense variant does not alter protein structure/function; Has not been previously published as pathogenic or benign to our knowledge; This variant is associated with the following publications: (PMID: 28545555)